The following is an entry in ClinVar:

ClinVar aggregate classification (germline): Likely benign (1 of 4 stars; one submission).

gnomAD v4.1: 5 of 1,614,058 alleles (0.00031%); highest among the groups gnomAD compares: South Asian, 0.0033%; no homozygotes.

Submission:

CeGaT Center for Human Genetics Tuebingen
Classification: Likely benign. Last evaluated: 2023-11-01. Review status: criteria provided, single submitter. Criteria: CeGaT Center For Human Genetics Tuebingen Variant Classification Criteria Version 2. Collection method: clinical testing. Allele origin: germline. Affected: yes. Observed: 1 variant allele.
Comment: ALS2: BP4, BP7

NM_020919.4(ALS2):c.2700C>G (p.Pro900=)

Gene: ALS2 (alsin Rho guanine nucleotide exchange factor ALS2; minus strand). Cytogenetic location: 2q33.1.
Variant type: single nucleotide variant.
Coding change: c.2700C>G on transcript NM_020919.4 (MANE Select); coding-DNA position 2700, C replaced by G.
Protein change: p.Pro900=; no amino-acid change (proline 900 retained).
Molecular consequence: synonymous variant.
Genome position (GRCh38, 1-based): chr2:201,729,064, G>C on the plus strand (C>G on the coding strand, the complement: ALS2 is on the minus strand). VCF-style: chr2-201729064-G-C. GRCh37 (hg19) VCF-style: chr2-202593787-G-C.
Other names: c.2700C>G, p.Pro900= (NM_001410975.1).
Identifiers: ClinVar variation 2672858 (VCV002672858.23), dbSNP rs752016144, ClinGen allele CA2058116.